The following is an entry in ClinVar:

NM_001113491.2(SEPTIN9):c.1527C>G (p.Asn509Lys)

Gene: SEPTIN9 (septin 9; plus strand). Cytogenetic location: 17q25.3.
Variant type: single nucleotide variant.
Coding change: c.1527C>G on transcript NM_001113491.2 (MANE Select); coding-DNA position 1527, C replaced by G.
Protein change: p.Asn509Lys; replaces asparagine 509 with lysine.
Molecular consequence: missense variant.
Genome position (GRCh38, 1-based): chr17:77,493,030, C>G. VCF-style: chr17-77493030-C-G. GRCh37 (hg19) VCF-style: chr17-75489112-C-G.
Other names: c.1035C>G, p.Asn345Lys (NM_001113492.2, NM_001113494.1); c.1506C>G, p.Asn502Lys (NM_001113493.2); c.774C>G, p.Asn258Lys (NM_001113495.2, NM_001113496.2, NM_001293697.2 and 1 more transcripts); c.1470C>G, p.Asn490Lys (NM_001293695.2); c.855C>G, p.Asn285Lys (NM_001293696.2); c.1473C>G, p.Asn491Lys (NM_006640.5); short protein forms N491K, N502K, N258K, N285K, N345K, N490K, N509K.
Identifiers: ClinVar variation 3677591 (VCV003677591.2).
Genomic context (GRCh38, chr17:77,493,030, plus strand): 5'-CGTTCCCCAGGAGATGATCCCATTTGCTGTGGTGGGCAGTGACCACGAGTACCAGGTCAA[C>G]GGCAAGAGGATCCTTGGGAGGAAGACCAAGTGGGGTACCATCGAAGGTACTCGCCGCAGG-3'
Protein context (NP_001106963.1, residues 499-519): VVGSDHEYQV[Asn509Lys]GKRILGRKTK

ClinVar aggregate classification (germline): Uncertain significance (1 of 4 stars; one submission).

Submission:

Labcorp Genetics (formerly Invitae), Labcorp
Classification: Uncertain significance. Last evaluated: 2024-06-11. Review status: criteria provided, single submitter. Criteria: Invitae Variant Classification Sherloc (09022015). Collection method: clinical testing. Allele origin: germline.
Comment: This sequence change replaces asparagine, which is neutral and polar, with lysine, which is basic and polar, at codon 491 of the SEPT9 protein (p.Asn491Lys). This variant is not present in population databases (gnomAD no frequency). This variant has not been reported in the literature in individuals affected with SEPT9-related conditions. Advanced modeling of protein sequence and biophysical properties (such as structural, functional, and spatial information, amino acid conservation, physicochemical variation, residue mobility, and thermodynamic stability) performed at Invitae indicates that this missense variant is not expected to disrupt SEPT9 protein function with a negative predictive value of 80%. In summary, the available evidence is currently insufficient to determine the role of this variant in disease. Therefore, it has been classified as a Variant of Uncertain Significance.